The following is an entry in ClinVar:

NM_002907.4(RECQL):c.833C>G (p.Thr278Arg)

Gene: RECQL (RecQ like helicase; minus strand). Cytogenetic location: 12p12.1.
Variant type: single nucleotide variant.
Coding change: c.833C>G on transcript NM_002907.4 (MANE Select); coding-DNA position 833, C replaced by G.
Protein change: p.Thr278Arg; replaces threonine 278 with arginine.
Molecular consequence: missense variant.
Genome position (GRCh38, 1-based): chr12:21,477,837, G>C on the plus strand (C>G on the coding strand, the complement: RECQL is on the minus strand). VCF-style: chr12-21477837-G-C. GRCh37 (hg19) VCF-style: chr12-21630771-G-C.
Other names: c.833C>G, p.Thr278Arg (NM_032941.3); short protein forms T278R.
Identifiers: ClinVar variation 679706 (VCV000679706.13), dbSNP rs372732456, ClinGen allele CA6478966.

ClinVar aggregate classification (germline): Benign. Review status: criteria provided, multiple submitters, no conflicts (2 of 4 stars). 4 submissions from 4 submitters: Benign (4). Last evaluated 2025-12-08.

Conditions:
RECON progeroid syndrome (RECON). Identifiers: MedGen C5830504, MONDO:0957266, OMIM 620370.

Allele frequency attached by ClinVar (database versions not stated): gnomAD 0.00005 and 0.00060; TOPMed 0.00013; gnomAD exomes 0.00095 and 0.00200; ExAC 0.00225; 1000 Genomes Project 30x 0.00422; 1000 Genomes Project 0.00439.
gnomAD v4.1: 1,481 of 1,613,062 alleles (0.092%); highest among the groups gnomAD compares: South Asian, 1.6%; 26 homozygotes.

Submissions (4):

Labcorp Genetics (formerly Invitae), Labcorp
Classification: Benign. Last evaluated: 2025-12-08. Review status: criteria provided, single submitter. Criteria: Invitae Variant Classification Sherloc (09022015). Collection method: clinical testing. Allele origin: germline.

Department of Pathology and Laboratory Medicine, Sinai Health System
Classification: Benign for RECON progeroid syndrome. Last evaluated: 2025-01-14. Review status: criteria provided, single submitter. Criteria: ACMG Guidelines, 2015. Collection method: clinical testing. Allele origin: germline.

Ambry Genetics
Classification: Benign. Last evaluated: 2020-08-06. Review status: criteria provided, single submitter. Criteria: Ambry Variant Classification Scheme 2023. Collection method: clinical testing. Allele origin: germline.

GeneDx
Classification: Benign. Last evaluated: 2018-05-16. Review status: criteria provided, single submitter. Criteria: GeneDx Variant Classification (06012015). Collection method: clinical testing. Allele origin: germline. Affected: yes.
Comment: This variant is considered likely benign or benign based on one or more of the following criteria: it is a conservative change, it occurs at a poorly conserved position in the protein, it is predicted to be benign by multiple in silico algorithms, and/or has population frequency not consistent with disease.